The following is an entry in ClinVar:

ClinVar aggregate classification (germline): Uncertain significance (1 of 4 stars; one submission).

Conditions:
Joubert syndrome. Also called: CEREBELLOPARENCHYMAL DISORDER IV; JOUBERT-BOLTSHAUSER SYNDROME; Familial aplasia of the vermis. Identifiers: Orphanet 475, MedGen C5979921, MONDO:0018772.

Submission:

Labcorp Genetics (formerly Invitae), Labcorp
Classification: Uncertain significance for Joubert syndrome. Last evaluated: 2022-03-23. Review status: criteria provided, single submitter. Criteria: Invitae Variant Classification Sherloc (09022015). Collection method: clinical testing. Allele origin: germline.
Comment: This sequence change replaces aspartic acid, which is acidic and polar, with alanine, which is neutral and non-polar, at codon 213 of the INPP5E protein (p.Asp213Ala). In summary, the available evidence is currently insufficient to determine the role of this variant in disease. Therefore, it has been classified as a Variant of Uncertain Significance. Advanced modeling of protein sequence and biophysical properties (such as structural, functional, and spatial information, amino acid conservation, physicochemical variation, residue mobility, and thermodynamic stability) performed at Invitae indicates that this missense variant is expected to disrupt INPP5E protein function. This variant has not been reported in the literature in individuals affected with INPP5E-related conditions. This variant is present in population databases (no rsID available, gnomAD 0.007%).

NM_019892.6(INPP5E):c.638A>C (p.Asp213Ala)

Gene: INPP5E (inositol polyphosphate-5-phosphatase E; minus strand). Cytogenetic location: 9q34.3.
Variant type: single nucleotide variant.
Coding change: c.638A>C on transcript NM_019892.6 (MANE Select); coding-DNA position 638, A replaced by C.
Protein change: p.Asp213Ala; replaces aspartic acid 213 with alanine.
Molecular consequence: missense variant.
Genome position (GRCh38, 1-based): chr9:136,438,782, T>G on the plus strand (A>C on the coding strand, the complement: INPP5E is on the minus strand). VCF-style: chr9-136438782-T-G. GRCh37 (hg19) VCF-style: chr9-139333234-T-G.
Other names: c.638A>C, p.Asp213Ala (NM_001318502.2); short protein forms D213A.
Identifiers: ClinVar variation 2115883 (VCV002115883.4), dbSNP rs1390460638, ClinGen allele CA375568100.